The following is an entry in ClinVar:

ClinVar aggregate classification (germline): Uncertain significance (1 of 4 stars; one submission).

Allele frequency attached by ClinVar (database versions not stated): TOPMed below 0.00001; gnomAD 0.00001.
gnomAD v4.1: 1 of 1,613,500 alleles (0.000062%); highest among the groups gnomAD compares: African/African-American, 0.0013%; no homozygotes.

Submission:

GeneDx
Classification: Uncertain significance. Last evaluated: 2022-11-25. Review status: criteria provided, single submitter. Criteria: GeneDx Variant Classification Process June 2021. Collection method: clinical testing. Allele origin: germline. Affected: yes.
Comment: Not observed at significant frequency in large population cohorts (gnomAD); In silico analysis supports that this missense variant does not alter protein structure/function; Has not been previously published as pathogenic or benign to our knowledge

NM_005121.3(MED13):c.877C>G (p.Pro293Ala)

Gene: MED13 (mediator complex subunit 13; minus strand). Cytogenetic location: 17q23.2.
Variant type: single nucleotide variant.
Coding change: c.877C>G on transcript NM_005121.3 (MANE Select); coding-DNA position 877, C replaced by G.
Protein change: p.Pro293Ala; replaces proline 293 with alanine.
Molecular consequence: missense variant.
Genome position (GRCh38, 1-based): chr17:62,031,576, G>C on the plus strand (C>G on the coding strand, the complement: MED13 is on the minus strand). VCF-style: chr17-62031576-G-C. GRCh37 (hg19) VCF-style: chr17-60108937-G-C.
Other names: short protein forms P293A.
Identifiers: ClinVar variation 2503340 (VCV002503340.1), dbSNP rs2080757270, ClinGen allele CA400785831.
Genomic context (GRCh38, chr17:62,031,576, plus strand): 5'-CAGGCACTTGGTGGACACCCAAGCAAGAAGATGAACAGTGAGTGGATCCCACAGGGCTAG[G>C]AGTAGGAATGTCTGACTGAGGGACTAGAACAAAGCATGCTGGGTAGATCATTCGGACACC-3'
Protein context (NP_005112.2, residues 283-303): VLVPQSDIPT[Pro293Ala]SPVGSTHCSS